The following is an entry in ClinVar:

NM_001126108.2(SLC12A3):c.2924+1G>A

Gene: SLC12A3 (solute carrier family 12 member 3; plus strand). Cytogenetic location: 16q13.
Variant type: single nucleotide variant.
Coding change: c.2924+1G>A on transcript NM_001126108.2 (MANE Select); the canonical splice donor site of the intron after coding-DNA position 2924, G replaced by A.
Molecular consequence: splice donor variant.
Genome position (GRCh38, 1-based): chr16:56,904,463, G>A. VCF-style: chr16-56904463-G-A. GRCh37 (hg19) VCF-style: chr16-56938375-G-A.
Other names: c.2951+1G>A (NM_000339.3); c.2948+1G>A (NM_001126107.2); c.2921+1G>A (NM_001410896.1).
Identifiers: ClinVar variation 1075650 (VCV001075650.9), dbSNP rs2144772551, ClinGen allele CA396002674.

ClinVar aggregate classification (germline): Pathogenic (1 of 4 stars; one submission).

Submission:

Labcorp Genetics (formerly Invitae), Labcorp
Classification: Pathogenic. Last evaluated: 2023-04-27. Review status: criteria provided, single submitter. Criteria: Invitae Variant Classification Sherloc (09022015). Collection method: clinical testing. Allele origin: germline.
Comment: Variants that disrupt the consensus splice site are a relatively common cause of aberrant splicing (PMID: 17576681, 9536098). Algorithms developed to predict the effect of sequence changes on RNA splicing suggest that this variant may disrupt the consensus splice site. For these reasons, this variant has been classified as Pathogenic. This variant disrupts the p.Cys994 amino acid residue in SLC12A3. Other variant(s) that disrupt this residue have been determined to be pathogenic (PMID: 12112667, 21415153, 22009145, 23328711, 25422309). This suggests that this residue is clinically significant, and that variants that disrupt this residue are likely to be disease-causing. ClinVar contains an entry for this variant (Variation ID: 1075650). Disruption of this splice site has been observed in individuals with SLC13A3-related conditions (PMID: 18391953, 19349556). This variant is not present in population databases (gnomAD no frequency). This sequence change affects a donor splice site in intron 25 of the SLC12A3 gene. While this variant is not anticipated to result in nonsense mediated decay, it likely alters RNA splicing and results in a disrupted protein product.

Literature cited by the submitters: PubMed 17576681; PubMed 9536098; PubMed 12112667; PubMed 21415153; PubMed 22009145; PubMed 23328711; PubMed 25422309; PubMed 18391953; PubMed 19349556.